The following is an entry in ClinVar:

NM_001256864.2(DNAJC6):c.2506G>T (p.Ala836Ser)

Gene: DNAJC6 (DnaJ heat shock protein family (Hsp40) member C6; plus strand). Cytogenetic location: 1p31.3.
Variant type: single nucleotide variant.
Coding change: c.2506G>T on transcript NM_001256864.2 (MANE Select); coding-DNA position 2506, G replaced by T.
Protein change: p.Ala836Ser; replaces alanine 836 with serine.
Molecular consequence: missense variant.
Genome position (GRCh38, 1-based): chr1:65,408,655, G>T. VCF-style: chr1-65408655-G-T. GRCh37 (hg19) VCF-style: chr1-65874338-G-T.
Other names: c.2335G>T (NM_014787.2); c.2506G>T (NM_001256864.1); c.2296G>T, p.Ala766Ser (NM_001256865.2); c.2335G>T, p.Ala779Ser (NM_014787.4); short protein forms A766S, A779S, A836S.
Identifiers: ClinVar variation 2011404 (VCV002011404.4), dbSNP rs373898827, ClinGen allele CA894187.

ClinVar aggregate classification (germline): Uncertain significance. Review status: criteria provided, multiple submitters, no conflicts (2 of 4 stars). 3 submissions from 3 submitters: Uncertain significance (3). Last evaluated 2025-03-03.

Conditions:
Juvenile onset Parkinson disease 19A. Also called: PARK19; DNAJC6 Parkinson Disease. Identifiers: Orphanet 391411, MedGen C3809811, MONDO:0014231, OMIM 615528.
Inborn genetic diseases. Identifiers: MedGen C0950123, MeSH D030342.

Allele frequency attached by ClinVar (database versions not stated): gnomAD exomes 0.00005; gnomAD 0.00006; ESP Exome Variant Server 0.00008; TOPMed 0.00014; ExAC 0.00002.
gnomAD v4.1: 86 of 1,610,402 alleles (0.0053%); highest among the groups gnomAD compares: Admixed American, 0.032%; no homozygotes.

Submissions (3):

Ambry Genetics
Classification: Uncertain significance for Inborn genetic diseases. Last evaluated: 2025-03-03. Review status: criteria provided, single submitter. Criteria: Ambry Variant Classification Scheme 2023. Collection method: clinical testing. Allele origin: germline.

GeneDx
Classification: Uncertain significance. Last evaluated: 2024-11-13. Review status: criteria provided, single submitter. Criteria: GeneDx Variant Classification Process June 2021. Collection method: clinical testing. Allele origin: germline. Affected: yes.
Comment: In silico analysis indicates that this missense variant does not alter protein structure/function; Has not been previously published as pathogenic or benign to our knowledge

Labcorp Genetics (formerly Invitae), Labcorp
Classification: Uncertain significance for Juvenile onset Parkinson disease 19A. Last evaluated: 2022-05-18. Review status: criteria provided, single submitter. Criteria: Invitae Variant Classification Sherloc (09022015). Collection method: clinical testing. Allele origin: germline.
Comment: This sequence change replaces alanine, which is neutral and non-polar, with serine, which is neutral and polar, at codon 836 of the DNAJC6 protein (p.Ala836Ser). Algorithms developed to predict the effect of missense changes on protein structure and function (SIFT, PolyPhen-2, Align-GVGD) all suggest that this variant is likely to be tolerated. In summary, the available evidence is currently insufficient to determine the role of this variant in disease. Therefore, it has been classified as a Variant of Uncertain Significance. This variant has not been reported in the literature in individuals affected with DNAJC6-related conditions. This variant is present in population databases (rs373898827, gnomAD 0.04%).